The following is an entry in ClinVar:

NM_017617.5(NOTCH1):c.2804C>T (p.Pro935Leu)

Gene: NOTCH1 (notch receptor 1; minus strand). Cytogenetic location: 9q34.3.
Variant type: single nucleotide variant.
Coding change: c.2804C>T on transcript NM_017617.5 (MANE Select); coding-DNA position 2804, C replaced by T.
Protein change: p.Pro935Leu; replaces proline 935 with leucine.
Molecular consequence: missense variant.
Genome position (GRCh38, 1-based): chr9:136,509,898, G>A on the plus strand (C>T on the coding strand, the complement: NOTCH1 is on the minus strand). VCF-style: chr9-136509898-G-A. GRCh37 (hg19) VCF-style: chr9-139404350-G-A.
Other names: short protein forms P935L.
Identifiers: ClinVar variation 3406814 (VCV003406814.1).

ClinVar aggregate classification (germline): Uncertain significance (1 of 4 stars; one submission).

Conditions:
Familial thoracic aortic aneurysm and aortic dissection (TAAD). Also called: Thoracic aortic aneurysms and dissections. Identifiers: Orphanet 91387, MedGen C4707243, MONDO:0019625.

gnomAD v4.1: 1 of 1,613,260 alleles (0.000062%); highest among the groups gnomAD compares: Non-Finnish European, 0.000085%; no homozygotes.

Submission:

Ambry Genetics
Classification: Uncertain significance for Familial thoracic aortic aneurysm and aortic dissection. Last evaluated: 2024-12-03. Review status: criteria provided, single submitter. Criteria: Ambry Variant Classification Scheme 2023. Collection method: clinical testing. Allele origin: germline.
Comment: The p.P935L variant (also known as c.2804C>T), located in coding exon 18 of the NOTCH1 gene, results from a C to T substitution at nucleotide position 2804. The proline at codon 935 is replaced by leucine, an amino acid with similar properties. This amino acid position is not well conserved in available vertebrate species. In addition, this alteration is predicted to be tolerated by in silico analysis. Based on the available evidence, the clinical significance of this variant remains unclear.